The following is an entry in ClinVar:

ClinVar aggregate classification (germline): Likely benign. Review status: criteria provided, single submitter (1 of 4 stars). 2 submissions from 2 submitters: Likely benign (1). 1 of the submissions does not count toward it. Last evaluated 2024-11-27.

Conditions:
PHIP-related disorder. Also called: PHIP-related disorders; PHIP-related condition.

Submissions (2):

Blueprint Genetics
Classification: Likely benign. Last evaluated: 2024-11-27. Review status: criteria provided, single submitter. Criteria: ACMG Guidelines, 2015. Collection method: clinical testing. Allele origin: germline.

PreventionGenetics, part of Exact Sciences
Classification: Benign for PHIP-related condition. Last evaluated: 2022-07-19. Review status: no assertion criteria provided. Collection method: clinical testing. Allele origin: germline. Not counted in ClinVar's aggregate classification.
Comment: This variant is classified as benign based on ACMG/AMP sequence variant interpretation guidelines (Richards et al. 2015 PMID: 25741868, with internal and published modifications).

NM_017934.7(PHIP):c.3656+1239del

Genes: IRAK1BP1 (interleukin 1 receptor associated kinase 1 binding protein 1; plus strand), PHIP (PHIP subunit of CUL4-Ring ligase complex; minus strand). Cytogenetic location: 6q14.1.
Variant type: Deletion.
Coding change: c.3656+1239del on transcript NM_017934.7 (MANE Select); 1239 bases into the intron after coding-DNA position 3656, one base deleted (A; older notation c.3656+1239delA).
Molecular consequence: intron variant.
Genome position (GRCh38, 1-based): chr6:78,960,451, T deleted on the plus strand (A on the coding strand, the reverse complement: PHIP is on the minus strand); the first of 16 consecutive T bases (chr6:78,960,451-78,960,466); deleting any one gives the same sequence. VCF-style (leftmost placement, unchanged base first): chr6-78960450-CT-C. GRCh37 (hg19) VCF-style: chr6-79670167-CT-C.
Identifiers: ClinVar variation 3032953 (VCV003032953.3), dbSNP rs1208567579, ClinGen allele CA568276629.